The following is an entry in ClinVar:

ClinVar aggregate classification (germline): Uncertain significance (1 of 4 stars; one submission).

Conditions:
Inborn genetic diseases. Identifiers: MedGen C0950123, MeSH D030342.

Submission:

Ambry Genetics
Classification: Uncertain significance for Inborn genetic diseases. Last evaluated: 2025-02-04. Review status: criteria provided, single submitter. Criteria: Ambry Variant Classification Scheme 2023. Collection method: clinical testing. Allele origin: germline.
Comment: The p.S779T variant (also known as c.2336G>C), located in coding exon 8 of the MECOM gene, results from a G to C substitution at nucleotide position 2336. The serine at codon 779 is replaced by threonine, an amino acid with similar properties. This amino acid position is conserved. In addition, this alteration is predicted to be tolerated by in silico analysis. Based on the available evidence, the clinical significance of this variant remains unclear.

NM_004991.4(MECOM):c.2336G>C (p.Ser779Thr)

Gene: MECOM (MDS1 and EVI1 complex locus; minus strand). Cytogenetic location: 3q26.2.
Variant type: single nucleotide variant.
Coding change: c.2336G>C on transcript NM_004991.4 (MANE Select); coding-DNA position 2336, G replaced by C.
Protein change: p.Ser779Thr; replaces serine 779 with threonine.
Molecular consequence: missense variant.
Genome position (GRCh38, 1-based): chr3:169,115,536, C>G on the plus strand (G>C on the coding strand, the complement: MECOM is on the minus strand). VCF-style: chr3-169115536-C-G. GRCh37 (hg19) VCF-style: chr3-168833324-C-G.
Other names: c.1967G>C, p.Ser656Thr (NM_001105077.4); c.1772G>C, p.Ser591Thr (NM_001105078.4, NM_001164000.2, NM_001205194.2 and 4 more transcripts); c.1775G>C, p.Ser592Thr (NM_001163999.2, NM_001366467.2, NM_001366468.2 and 1 more transcripts); c.2336G>C, p.Ser779Thr (NM_001366466.2); c.1364G>C, p.Ser455Thr (NM_001366473.2); c.800G>C, p.Ser267Thr (NM_001366474.2); short protein forms S267T, S592T, S591T, S656T, S779T, S455T.
Identifiers: ClinVar variation 3871796 (VCV003871796.1).
Genomic context (GRCh38, chr3:169,115,536, plus strand): 5'-CCCCCAAACACGTGGTTTTTTCGAGGCTCAGTCAGCTTTGTCCCACTGGCTCTACTCCTA[C>G]TGCCCATACTTAGATCCAGGGGCTGGTCTTGGCTTGTGGCAGGTGTCACTGGAGGCTTGG-3'
Protein context (NP_004982.2, residues 769-789): QDQPLDLSMG[Ser779Thr]RSRASGTKLT